The following is an entry in ClinVar:

NM_000834.5(GRIN2B):c.538C>T (p.Gln180Ter)

Gene: GRIN2B (glutamate ionotropic receptor NMDA type subunit 2B; minus strand). Cytogenetic location: 12p13.1.
Variant type: single nucleotide variant.
Coding change: c.538C>T on transcript NM_000834.5 (MANE Select); coding-DNA position 538, C replaced by T.
Protein change: p.Gln180Ter; replaces glutamine 180 with a stop codon.
Molecular consequence: nonsense.
Genome position (GRCh38, 1-based): chr12:13,753,789, G>A on the plus strand (C>T on the coding strand, the complement: GRIN2B is on the minus strand). VCF-style: chr12-13753789-G-A. GRCh37 (hg19) VCF-style: chr12-13906723-G-A.
Other names: short protein forms Q180*.
Identifiers: ClinVar variation 916594 (VCV000916594.1), dbSNP rs1555133154, ClinGen allele CA384054452.

ClinVar aggregate classification (germline): Pathogenic (1 of 4 stars; one submission).

Conditions:
Intellectual developmental disorder, autosomal dominant 6, with or without seizures. Also called: GRIN2B-related developmental delay, intellectual disability and autism spectrum disorder; Intellectual disability, autosomal dominant 6. Identifiers: Orphanet 589547, MedGen C3151411, MONDO:0013509, OMIM 613970.

Submission:

Institute of Human Genetics, University of Leipzig Medical Center
Classification: Pathogenic for Intellectual developmental disorder, autosomal dominant 6, with or without seizures. Last evaluated: 2017-04-04. Review status: criteria provided, single submitter. Criteria: ACMG Guidelines, 2015. Collection method: clinical testing. Allele origin: de novo. Affected: yes.
Comment: This variant was identified as de novo (maternity and paternity confirmed).

Literature cited by the submitters: PubMed 28377535.